The following is an entry in ClinVar:

ClinVar aggregate classification (germline): Likely benign. Review status: criteria provided, multiple submitters, no conflicts (2 of 4 stars). 2 submissions from 2 submitters: Likely benign (2). Last evaluated 2026-03-01.

Allele frequency attached by ClinVar (database versions not stated): TOPMed 0.00002; gnomAD 0.00005; ExAC 0.00007; ESP Exome Variant Server 0.00008; gnomAD exomes 0.00008; 1000 Genomes Project 30x 0.00031; 1000 Genomes Project 0.00040.
gnomAD v4.1: 125 of 1,599,778 alleles (0.0078%); highest among the groups gnomAD compares: East Asian, 0.2%; no homozygotes.

Submissions (2):

CeGaT Center for Human Genetics Tuebingen
Classification: Likely benign. Last evaluated: 2026-03-01. Review status: criteria provided, single submitter. Criteria: CeGaT Center For Human Genetics Tuebingen Variant Classification Criteria Version 2. Collection method: clinical testing. Allele origin: germline. Affected: yes. Observed: 1 variant allele.
Comment: FAT2: BP4, BS1

Labcorp Genetics (formerly Invitae), Labcorp
Classification: Likely benign. Last evaluated: 2023-05-20. Review status: criteria provided, single submitter. Criteria: Invitae Variant Classification Sherloc (09022015). Collection method: clinical testing. Allele origin: germline.

NM_001447.3(FAT2):c.9194-7C>T

Genes: FAT2 (FAT atypical cadherin 2; minus strand), SLC36A1 (solute carrier family 36 member 1; plus strand). Cytogenetic location: 5q33.1.
Variant type: single nucleotide variant.
Coding change: c.9194-7C>T on transcript NM_001447.3 (MANE Select); 7 bases into the intron before coding-DNA position 9194, C replaced by T.
Molecular consequence: intron variant.
Genome position (GRCh38, 1-based): chr5:151,534,649, G>A on the plus strand (C>T on the coding strand, the complement: FAT2 is on the minus strand). VCF-style: chr5-151534649-G-A. GRCh37 (hg19) VCF-style: chr5-150914210-G-A.
Identifiers: ClinVar variation 2894493 (VCV002894493.7), dbSNP rs201231965, ClinGen allele CA3520621.